The following is an entry in ClinVar:

Single allele

Genes: ABR (ABR activator of RhoGEF and GTPase; minus strand), BHLHA9 (basic helix-loop-helix family member a9; plus strand), TIMM22 (translocase of inner mitochondrial membrane 22; plus strand), TRARG1 (trafficking regulator of GLUT4 (SLC2A4) 1 (gene/pseudogene); plus strand). Cytogenetic location: 17p13.3.
Variant type: Duplication.
Identifiers: ClinVar variation 560090 (VCV000560090.3).

ClinVar aggregate classification (germline): Uncertain significance (1 of 4 stars; one submission).

Submission:

Geisinger Autism and Developmental Medicine Institute, Geisinger Health System
Classification: Uncertain significance. Last evaluated: 2018-04-13. Review status: criteria provided, single submitter. Criteria: ACMG CNV Guidelines, 2011. Collection method: provider interpretation. Allele origin: maternal.